The following is an entry in ClinVar:

ClinVar aggregate classification (germline): Uncertain significance (1 of 4 stars; one submission).

Conditions:
Pierpont syndrome (PRPTS). Identifiers: Orphanet 487825, MedGen C1865644, MONDO:0011213, OMIM 602342.

Allele frequency attached by ClinVar (database versions not stated): TOPMed below 0.00001; gnomAD 0.00001.

Submission:

Labcorp Genetics (formerly Invitae), Labcorp
Classification: Uncertain significance for Pierpont syndrome. Last evaluated: 2023-10-28. Review status: criteria provided, single submitter. Criteria: Invitae Variant Classification Sherloc (09022015). Collection method: clinical testing. Allele origin: germline.
Comment: This sequence change replaces histidine, which is basic and polar, with arginine, which is basic and polar, at codon 33 of the TBL1XR1 protein (p.His33Arg). This variant is not present in population databases (gnomAD no frequency). This variant has not been reported in the literature in individuals affected with TBL1XR1-related conditions. ClinVar contains an entry for this variant (Variation ID: 1017393). An algorithm developed to predict the effect of missense changes on protein structure and function (PolyPhen-2) suggests that this variant is likely to be tolerated. In summary, the available evidence is currently insufficient to determine the role of this variant in disease. Therefore, it has been classified as a Variant of Uncertain Significance.

NM_024665.7(TBL1XR1):c.98A>G (p.His33Arg)

Gene: TBL1XR1 (TBL1X/Y related 1; minus strand). Cytogenetic location: 3q26.32.
Variant type: single nucleotide variant.
Coding change: c.98A>G on transcript NM_024665.7 (MANE Select); coding-DNA position 98, A replaced by G.
Protein change: p.His33Arg; replaces histidine 33 with arginine.
Molecular consequence: missense variant. On other transcripts: 5 prime UTR variant (2).
Genome position (GRCh38, 1-based): chr3:177,053,879, T>C on the plus strand (A>G on the coding strand, the complement: TBL1XR1 is on the minus strand). VCF-style: chr3-177053879-T-C. GRCh37 (hg19) VCF-style: chr3-176771667-T-C.
Other names: c.98A>G, p.His33Arg (NM_001321193.3, NM_001321194.3, NM_001374327.1 and 2 more transcripts); c.-164A>G (NM_001321195.3, NM_001374330.1); short protein forms H33R.
Identifiers: ClinVar variation 1017393 (VCV001017393.6), dbSNP rs919621560, ClinGen allele CA89089679.